The following is an entry in ClinVar:

NM_003730.6(RNASET2):c.-322T>C

Genes: RNASET2 (ribonuclease T2; minus strand), LOC129997675 (ATAC-STARR-seq lymphoblastoid silent region 17784; plus strand). Cytogenetic location: 6q27.
Variant type: single nucleotide variant.
Coding change: c.-322T>C on transcript NM_003730.6 (MANE Select); 322 bases upstream of the start codon, T replaced by C.
Molecular consequence: 5 prime UTR variant.
Genome position (GRCh38, 1-based): chr6:166,956,504, A>G on the plus strand (T>C on the coding strand, the complement: RNASET2 is on the minus strand). VCF-style: chr6-166956504-A-G. GRCh37 (hg19) VCF-style: chr6-167369992-A-G.
Identifiers: ClinVar variation 356052 (VCV000356052.5), dbSNP rs2247325, ClinGen allele CA10626280.

ClinVar aggregate classification (germline): Benign (1 of 4 stars; one submission).

Conditions:
Cystic leukoencephalopathy without megalencephaly. Identifiers: Orphanet 85136, MedGen C2751843, MONDO:0013058, OMIM 612951.

Allele frequency attached by ClinVar (database versions not stated): gnomAD 0.49332 and 0.49902; TOPMed 0.51924; 1000 Genomes Project 30x 0.63351; 1000 Genomes Project 0.63958.
gnomAD v4.1: 181,703 of 396,526 alleles (46%); highest among the groups gnomAD compares: African/African-American, 70%; 45,908 homozygotes.

Submission:

Illumina Laboratory Services, Illumina
Classification: Benign for Cystic leukoencephalopathy without megalencephaly. Last evaluated: 2018-01-13. Review status: criteria provided, single submitter. Criteria: ICSL Variant Classification Criteria 13 December 2019. Collection method: clinical testing. Allele origin: germline.
Comment: This variant was observed in the ICSL laboratory as part of a predisposition screen in an ostensibly healthy population. It had not been previously curated by ICSL or reported in the Human Gene Mutation Database (HGMD: prior to June 1st, 2018), and was therefore a candidate for classification through an automated scoring system. Utilizing variant allele frequency, disease prevalence and penetrance estimates, and inheritance mode, an automated score was calculated to assess if this variant is too frequent to cause the disease. Based on the score and internal cut-off values, a variant classified as benign is not then subjected to further curation. The score for this variant resulted in a classification of benign for this disease.